The following continues an entry in ClinVar:

NM_007294.4(BRCA1):c.2522G>A (p.Arg841Gln)

Gene: BRCA1. ClinVar aggregate classification (germline): Benign/Likely benign. Benign (7); Likely benign (6).

Submissions 15 to 18 of 18:

Breast Cancer Information Core (BIC) (BRCA1)
Classification: Uncertain significance for Breast-ovarian cancer, familial 1. Last evaluated: 2004-02-20. Review status: no assertion criteria provided. Collection method: clinical testing. Allele origin: germline. Affected: yes. Observed: 6 variant alleles. Not counted in ClinVar's aggregate classification.

Clinical Genetics Laboratory, Department of Pathology, Netherlands Cancer Institute
Classification: Likely benign. Review status: no assertion criteria provided. Collection method: clinical testing. Allele origin: germline. Affected: yes. Study: VKGL Data-share Consensus. Not counted in ClinVar's aggregate classification.

Department of Pathology and Laboratory Medicine, Sinai Health System
Classification: Likely benign for Malignant tumor of breast. Review status: no assertion criteria provided. Collection method: clinical testing. Allele origin: unknown. Affected: yes. Observed: 3 variant alleles. Study: The Canadian Open Genetics Repository (COGR). Not counted in ClinVar's aggregate classification.
Comment: The BRCA1 p.Arg841Gln variant was identified in 2 of 4282 proband chromosomes (frequency: 0.0004) from individuals or families with hereditary breast and ovarian cancer (Borg 2010, Schoumacher 2001). The variant was also identified in dbSNP (ID: rs80357337) â€šÃ„ÃºWith other alleleâ€šÃ„Ã¹, Exome Aggregation Consortium (ExAC) database, HGMD 3X, the ClinVar database 5X with conflicting classifications (classified as benign (SCRP and Ambry Genetics), likely benign (GeneDx), and uncertain significance (BIC - 6X); UMD reported the variant (10X as a likely neutral variant) and the Exome Aggregation Consortium (ExAC) database in 5 of 66708 (European (Non-Finnish)) alleles (frequency: 0.00007495), although this low number of observations and low frequency is not substantive enough to determine the prevalence of the variant in the general population and its relationship to disease. In UMD the variant was identified with two co-occurring pathogenic variants, a BRCA1 variant p.Phe709TyrfsX3, and a BRCA2 variant p.Leu2357ValfsX2 increasing the likelihood that the p.Arg841Gln variant does not have clinical significance. The p.Arg841 residue is not conserved in mammals and the variant amino acid Glutamine (Gln) is present in orangutans, macaques, mice, dogs, cows, frogs and sea urchins, increasing the likelihood that this variant does not have clinical significance. Computational analyses (PolyPhen-2, SIFT, AlignGVGD, BLOSUM, MutationTaster) do not suggest a high likelihood of impact to the protein. In addition, functional studies based on the physiologic expression of the full length BRCA1 cDNA in mice (Bouwman 2013) and in silico studies (Capanu 2011) showed the variant to be neutral. One in 5 splicing software suggested that this variant may create an alternative 3' splice site (human splicing finder), but this information is not very predictive of pathogenicity. Lastly, Myriad classifies this variant as a polymorphism (personal communication). In summary, based on the above information, the clinical significance of this variant could not be determined with absolute certainty although we would lean towards a more benign role for this variant. This variant meets our laboratory's criteria to be classified as likely benign.

Joint Genome Diagnostic Labs from Nijmegen and Maastricht, Radboudumc and MUMC+
Classification: Likely benign. Review status: no assertion criteria provided. Collection method: clinical testing. Allele origin: germline. Affected: yes. Study: VKGL Data-share Consensus. Not counted in ClinVar's aggregate classification.

Literature cited by the submitters: PubMed 16267036 (cited by Women's Health and Genetics/Laboratory Corporation of America, LabCorp); PubMed 15385441 (cited by Women's Health and Genetics/Laboratory Corporation of America, LabCorp); PubMed 20104584 (cited by Women's Health and Genetics/Laboratory Corporation of America, LabCorp); PubMed 21520273 (cited by Women's Health and Genetics/Laboratory Corporation of America, LabCorp and Ambry Genetics); PubMed 23867111 (cited by Women's Health and Genetics/Laboratory Corporation of America, LabCorp and Ambry Genetics); PubMed 11400546 (cited by Women's Health and Genetics/Laboratory Corporation of America, LabCorp and Ambry Genetics); PubMed 8968716 (cited by Women's Health and Genetics/Laboratory Corporation of America, LabCorp); PubMed 19370767 (cited by Women's Health and Genetics/Laboratory Corporation of America, LabCorp); PubMed 18273839 (cited by Women's Health and Genetics/Laboratory Corporation of America, LabCorp); PubMed 26689913 (cited by Women's Health and Genetics/Laboratory Corporation of America, LabCorp); PubMed 29116469 (cited by Women's Health and Genetics/Laboratory Corporation of America, LabCorp); PubMed 30254663 (cited by Women's Health and Genetics/Laboratory Corporation of America, LabCorp).